The following is an entry in ClinVar:

ClinVar aggregate classification (germline): Likely benign. Review status: criteria provided, multiple submitters, no conflicts (2 of 4 stars). 3 submissions from 3 submitters: Likely benign (2). 1 of the submissions does not count toward it. Last evaluated 2026-03-01.

Conditions:
ZNF462-related disorder. Also called: ZNF462-related condition; ZNF462 related disease.
Inborn genetic diseases. Identifiers: MedGen C0950123, MeSH D030342.

Allele frequency attached by ClinVar (database versions not stated): 1000 Genomes Project 30x 0.00156; ESP Exome Variant Server 0.00177; 1000 Genomes Project 0.00180; ExAC 0.00045; gnomAD 0.00134; TOPMed 0.00154.
gnomAD v4.1: 414 of 1,613,552 alleles (0.026%); highest among the groups gnomAD compares: African/African-American, 0.45%; 2 homozygotes.

Submissions (3):

CeGaT Center for Human Genetics Tuebingen
Classification: Likely benign. Last evaluated: 2026-03-01. Review status: criteria provided, single submitter. Criteria: CeGaT Center For Human Genetics Tuebingen Variant Classification Criteria Version 2. Collection method: clinical testing. Allele origin: germline. Affected: yes. Observed: 1 variant allele.
Comment: ZNF462: BP4, BS1

Ambry Genetics
Classification: Likely benign for Inborn genetic diseases. Last evaluated: 2024-12-02. Review status: criteria provided, single submitter. Criteria: Ambry Variant Classification Scheme 2023. Collection method: clinical testing. Allele origin: germline.

PreventionGenetics, part of Exact Sciences
Classification: Likely benign for ZNF462-related condition. Last evaluated: 2024-01-03. Review status: no assertion criteria provided. Collection method: clinical testing. Allele origin: germline. Not counted in ClinVar's aggregate classification.
Comment: This variant is classified as likely benign based on ACMG/AMP sequence variant interpretation guidelines (Richards et al. 2015 PMID: 25741868, with internal and published modifications).

NM_021224.6(ZNF462):c.7390C>T (p.Pro2464Ser)

Genes: ZNF462 (zinc finger protein 462; plus strand), LOC340512 (uncharacterized LOC340512; minus strand). Cytogenetic location: 9q31.2.
Variant type: single nucleotide variant.
Coding change: c.7390C>T on transcript NM_021224.6 (MANE Select); coding-DNA position 7390, C replaced by T.
Protein change: p.Pro2464Ser; replaces proline 2464 with serine.
Molecular consequence: missense variant.
Genome position (GRCh38, 1-based): chr9:107,010,899, C>T. VCF-style: chr9-107010899-C-T. GRCh37 (hg19) VCF-style: chr9-109773180-C-T.
Other names: c.4795C>T, p.Pro1599Ser (NM_001347997.2); c.7390C>T (NM_021224.4); short protein forms P1599S, P2464S.
Identifiers: ClinVar variation 3052871 (VCV003052871.7), dbSNP rs145884575, ClinGen allele CA5172503.
Genomic context (GRCh38, chr9:107,010,899, plus strand): 5'-AAGCAGGTGAGCAGAGAAGAAATCCACCCAAAAGAGATCATGGAGAACAGTGTTAAAATG[C>T]CCTCCATAGAGGAAAAGGAAGATGACGAGGCCATTGGGATAGACTTTTCCCTAAAGAATG-3'
Protein context (NP_067047.4, residues 2454-2474): KEIMENSVKM[Pro2464Ser]SIEEKEDDEA